The following is an entry in ClinVar:

NM_007363.5(NONO):c.1283C>G (p.Thr428Ser)

Gene: NONO (non-POU domain containing octamer binding; plus strand). Cytogenetic location: Xq13.1.
Variant type: single nucleotide variant.
Coding change: c.1283C>G on transcript NM_007363.5 (MANE Select); coding-DNA position 1283, C replaced by G.
Protein change: p.Thr428Ser; replaces threonine 428 with serine.
Molecular consequence: missense variant.
Genome position (GRCh38, 1-based): chrX:71,299,943, C>G. VCF-style: chrX-71299943-C-G. GRCh37 (hg19) VCF-style: chrX-70519793-C-G.
Other names: c.1283C>G (NM_001145408.1); c.1283C>G, p.Thr428Ser (NM_001145408.2, NM_001145409.2); c.1016C>G, p.Thr339Ser (NM_001145410.2); short protein forms T339S, T428S.
Identifiers: ClinVar variation 4771214 (VCV004771214.2).

ClinVar aggregate classification (germline): Uncertain significance. Review status: criteria provided, multiple submitters, no conflicts (2 of 4 stars). 2 submissions from 2 submitters: Uncertain significance (2). Last evaluated 2026-03-17.

Conditions:
Inborn genetic diseases. Identifiers: MedGen C0950123, MeSH D030342.

Submissions (2):

Ambry Genetics
Classification: Uncertain significance for Inborn genetic diseases. Last evaluated: 2026-03-17. Review status: criteria provided, single submitter. Criteria: Ambry Variant Classification Scheme 2023. Collection method: clinical testing. Allele origin: germline.
Comment: The c.1283C>G (p.T428S) alteration is located in exon 13 (coding exon 10) of the NONO gene. This alteration results from a C to G substitution at nucleotide position 1283, causing the threonine (T) at amino acid position 428 to be replaced by a serine (S). Based on data from gnomAD, the G allele has an overall frequency of 0.005% (1/21813) total alleles studied. The highest observed frequency was 0.009% (1/10758) of European (non-Finnish) alleles. Based on insufficient or conflicting evidence, the clinical significance of this alteration remains unclear.

Labcorp Genetics (formerly Invitae), Labcorp
Classification: Uncertain significance. Last evaluated: 2025-05-04. Review status: criteria provided, single submitter. Criteria: Invitae Variant Classification Sherloc (09022015). Collection method: clinical testing. Allele origin: germline.
Comment: This sequence change replaces threonine, which is neutral and polar, with serine, which is neutral and polar, at codon 428 of the NONO protein (p.Thr428Ser). This variant is present in population databases (no rsID available, gnomAD 0.01%). This variant has not been reported in the literature in individuals affected with NONO-related conditions. An algorithm developed to predict the effect of missense changes on protein structure and function (PolyPhen-2) suggests that this variant is likely to be tolerated. In summary, the available evidence is currently insufficient to determine the role of this variant in disease. Therefore, it has been classified as a Variant of Uncertain Significance.